The following is an entry in ClinVar:

ClinVar aggregate classification (germline): Pathogenic. Review status: criteria provided, multiple submitters, no conflicts (2 of 4 stars). 2 submissions from 2 submitters: Pathogenic (2). Last evaluated 2023-12-31.

Conditions:
Cardiovascular phenotype. Identifiers: MedGen CN230736.
Hereditary hemorrhagic telangiectasia (HHT). Also called: ORW DISEASE; Osler Weber Rendu syndrome; OSLER-RENDU-WEBER DISEASE; Osler hemorrhagic telangiectasia syndrome. Identifiers: Orphanet 774, MedGen C0039445, MONDO:0019180. Disease mechanism: loss of function.

Submissions (11):

Labcorp Genetics (formerly Invitae), Labcorp
Classification: Pathogenic for Hereditary hemorrhagic telangiectasia. Last evaluated: 2023-12-31. Review status: criteria provided, single submitter. Criteria: Invitae Variant Classification Sherloc (09022015). Collection method: clinical testing. Allele origin: germline.
Comment: This sequence change affects a donor splice site in intron 10 of the ENG gene. It is expected to disrupt RNA splicing. Variants that disrupt the donor or acceptor splice site typically lead to a loss of protein function (PMID: 16199547), and loss-of-function variants in ENG are known to be pathogenic (PMID: 15879500). This variant is not present in population databases (gnomAD no frequency). Disruption of this splice site has been observed in individuals with hereditary hemorrhagic telangiectasia (PMID: 10625079, 16752392). ClinVar contains an entry for this variant (Variation ID: 1769660). Algorithms developed to predict the effect of sequence changes on RNA splicing suggest that this variant may disrupt the consensus splice site. For these reasons, this variant has been classified as Pathogenic.

Ambry Genetics
Classification: Pathogenic for Cardiovascular phenotype. Last evaluated: 2021-10-26. Review status: criteria provided, single submitter. Criteria: Ambry Variant Classification Scheme 2023. Collection method: clinical testing. Allele origin: germline.
Comment: The c.1311+2T>A intronic pathogenic mutation results from a T to A substitution two nucleotides after coding exon 10 in the ENG gene. Alterations that disrupt the canonical splice site are expected to result in aberrant splicing. In silico splice site analysis predicts that this alteration will weaken the native splice donor site. The resulting transcript is predicted to be in-frame and is not expected to trigger nonsense-mediated mRNAdecay; however, direct evidence is unavailable. The exact functional effect of the altered amino acid sequence is unknown; however, the impacted region is critical for protein function (Ambry internal data). This alteration has been reported in a family with hereditary hemorrhagic telangiectasia (HHT) (Cymerman U et al. Pediatr Res, 2000 Jan;47:24-35). Another alteration impacting the same donor site (c.1311+2T>G) has been identified in an individual meeting diagnostic criteria of HHT (McDonald J et al. Clin. Genet., 2011 Apr;79:335-44). This variant is considered to be rare based on population cohorts in the Genome Aggregation Database (gnomAD). Based on the supporting evidence, this alteration is interpreted as a disease-causing mutation.

Dr. Peter K. Rogan Lab, Western University
No classification provided (evidence only). Condition: Ovarian serous cystadenocarcinoma. Review status: no classification provided. Collection method: in vitro. Allele origin: not applicable. Functional consequence: retained intron. Not counted in ClinVar's aggregate classification.

Dr. Peter K. Rogan Lab, Western University
No classification provided (evidence only). Condition: Ovarian serous cystadenocarcinoma. Review status: no classification provided. Collection method: in vitro. Allele origin: not applicable. Functional consequence: retained intron. Not counted in ClinVar's aggregate classification.

Dr. Peter K. Rogan Lab, Western University
No classification provided (evidence only). Condition: Ovarian serous cystadenocarcinoma. Review status: no classification provided. Collection method: in vitro. Allele origin: not applicable. Functional consequence: retained intron. Not counted in ClinVar's aggregate classification.

Dr. Peter K. Rogan Lab, Western University
No classification provided (evidence only). Condition: Ovarian serous cystadenocarcinoma. Review status: no classification provided. Collection method: in vitro. Allele origin: not applicable. Functional consequence: retained intron. Not counted in ClinVar's aggregate classification.

Dr. Peter K. Rogan Lab, Western University
No classification provided (evidence only). Condition: Ovarian serous cystadenocarcinoma. Review status: no classification provided. Collection method: in vitro. Allele origin: not applicable. Functional consequence: retained intron. Not counted in ClinVar's aggregate classification.

Dr. Peter K. Rogan Lab, Western University
No classification provided (evidence only). Condition: Ovarian serous cystadenocarcinoma. Review status: no classification provided. Collection method: in vitro. Allele origin: not applicable. Functional consequence: retained intron. Not counted in ClinVar's aggregate classification.

Dr. Peter K. Rogan Lab, Western University
No classification provided (evidence only). Condition: Ovarian serous cystadenocarcinoma. Review status: no classification provided. Collection method: in vitro. Allele origin: not applicable. Functional consequence: retained intron. Not counted in ClinVar's aggregate classification.

Dr. Peter K. Rogan Lab, Western University
No classification provided (evidence only). Condition: Ovarian serous cystadenocarcinoma. Review status: no classification provided. Collection method: in vitro. Allele origin: not applicable. Functional consequence: retained intron. Not counted in ClinVar's aggregate classification.

Dr. Peter K. Rogan Lab, Western University
No classification provided (evidence only). Condition: Ovarian serous cystadenocarcinoma. Review status: no classification provided. Collection method: in vitro. Allele origin: not applicable. Functional consequence: retained intron. Not counted in ClinVar's aggregate classification.

Literature cited by the submitters: PubMed 16199547 (cited by Labcorp Genetics (formerly Invitae), Labcorp); PubMed 15879500 (cited by Labcorp Genetics (formerly Invitae), Labcorp); PubMed 10625079 (cited by Labcorp Genetics (formerly Invitae), Labcorp and Ambry Genetics); PubMed 16752392 (cited by Labcorp Genetics (formerly Invitae), Labcorp).

NM_001114753.3(ENG):c.1311+2T>A

Genes: ENG (endoglin; minus strand), LOC102723566 (uncharacterized LOC102723566; plus strand). Cytogenetic location: 9q34.11.
Variant type: single nucleotide variant.
Coding change: c.1311+2T>A on transcript NM_001114753.3 (MANE Select); the canonical splice donor site of the intron after coding-DNA position 1311, T replaced by A.
Molecular consequence: splice donor variant.
Genome position (GRCh38, 1-based): chr9:127,819,620, A>T on the plus strand (T>A on the coding strand, the complement: ENG is on the minus strand). VCF-style: chr9-127819620-A-T. GRCh37 (hg19) VCF-style: chr9-130581899-A-T.
Other names: c.1311+2T>A (NM_000118.4); c.765+2T>A (NM_001278138.2).
Identifiers: ClinVar variation 1769660 (VCV001769660.6), dbSNP rs111694746, ClinGen allele CA200305375.